The following is an entry in ClinVar:

NM_021728.4(OTX2):c.190C>A (p.Leu64Met)

Gene: OTX2 (orthodenticle homeobox 2; minus strand). Cytogenetic location: 14q22.3.
Variant type: single nucleotide variant.
Coding change: c.190C>A on transcript NM_021728.4 (MANE Select); coding-DNA position 190, C replaced by A.
Protein change: p.Leu64Met; replaces leucine 64 with methionine.
Molecular consequence: missense variant.
Genome position (GRCh38, 1-based): chr14:56,804,271, G>T on the plus strand (C>A on the coding strand, the complement: OTX2 is on the minus strand). VCF-style: chr14-56804271-G-T. GRCh37 (hg19) VCF-style: chr14-57270989-G-T.
Other names: c.166C>A, p.Leu56Met (NM_001270523.2, NM_001270524.2, NM_172337.3); c.190C>A, p.Leu64Met (NM_001270525.2); c.190C>A (NM_021728.2); short protein forms L64M, L56M.
Identifiers: ClinVar variation 2809958 (VCV002809958.5), dbSNP rs2503907733, ClinGen allele CA390052422.

ClinVar aggregate classification (germline): Uncertain significance. Review status: criteria provided, multiple submitters, no conflicts (2 of 4 stars). 2 submissions from 2 submitters: Uncertain significance (2). Last evaluated 2026-01-07.

Conditions:
Anophthalmia-microphthalmia syndrome. Also called: Anophthalmia/Microphthalmia; Anophthalmia - microphthalmia. Identifiers: Orphanet 98555, MedGen C5680330, MONDO:0020147.

Submissions (2):

GeneDx
Classification: Uncertain significance. Last evaluated: 2026-01-07. Review status: criteria provided, single submitter. Criteria: GeneDx Variant Classification Process June 2021. Collection method: clinical testing. Allele origin: germline.
Comment: Not observed at significant frequency in large population cohorts (gnomAD); In silico analysis suggests that this missense variant does not alter protein structure/function; Has not been previously published as pathogenic or benign to our knowledge

Labcorp Genetics (formerly Invitae), Labcorp
Classification: Uncertain significance for Anophthalmia-microphthalmia syndrome. Last evaluated: 2023-05-26. Review status: criteria provided, single submitter. Criteria: Invitae Variant Classification Sherloc (09022015). Collection method: clinical testing. Allele origin: germline.
Comment: This sequence change replaces leucine, which is neutral and non-polar, with methionine, which is neutral and non-polar, at codon 56 of the OTX2 protein (p.Leu56Met). This variant is not present in population databases (gnomAD no frequency). This variant has not been reported in the literature in individuals affected with OTX2-related conditions. An algorithm developed to predict the effect of missense changes on protein structure and function (PolyPhen-2) suggests that this variant is likely to be disruptive. In summary, the available evidence is currently insufficient to determine the role of this variant in disease. Therefore, it has been classified as a Variant of Uncertain Significance.